The following is an entry in ClinVar:

NM_005245.4(FAT1):c.5824A>G (p.Thr1942Ala)

Gene: FAT1 (FAT atypical cadherin 1; minus strand). Cytogenetic location: 4q35.2.
Variant type: single nucleotide variant.
Coding change: c.5824A>G on transcript NM_005245.4 (MANE Select); coding-DNA position 5824, A replaced by G.
Protein change: p.Thr1942Ala; replaces threonine 1942 with alanine.
Molecular consequence: missense variant.
Genome position (GRCh38, 1-based): chr4:186,620,762, T>C on the plus strand (A>G on the coding strand, the complement: FAT1 is on the minus strand). VCF-style: chr4-186620762-T-C. GRCh37 (hg19) VCF-style: chr4-187541916-T-C.
Other names: short protein forms T1942A.
Identifiers: ClinVar variation 3032229 (VCV003032229.3), dbSNP rs1201757222, ClinGen allele CA358971673.
Genomic context (GRCh38, chr4:186,620,762, plus strand): 5'-GGCCGGCAAATCTGCCATCGGAAGCTCTAACGGTTAGCTCGTAGCGGCTTCTTAACTGAG[T>C]TGTGTTTTGGACAGTGAGAGCACCAGTCTTGTAGTCCATAGAAAACTTCTCCCCGATGTT-3'
Protein context (NP_005236.2, residues 1932-1952): KTGALTVQNT[Thr1942Ala]QLRSRYELTV

ClinVar aggregate classification (germline): Uncertain significance. Review status: criteria provided, single submitter (1 of 4 stars). 2 submissions from 2 submitters: Uncertain significance (1). 1 of the submissions does not count toward it. Last evaluated 2025-12-09.

Conditions:
Inborn genetic diseases. Identifiers: MedGen C0950123, MeSH D030342.
FAT1-related disorder. Also called: FAT1-related condition.

Allele frequency attached by ClinVar (database versions not stated): gnomAD 0.00001; gnomAD exomes below 0.00001; TOPMed below 0.00001.

Submissions (2):

Ambry Genetics
Classification: Uncertain significance for Inborn genetic diseases. Last evaluated: 2025-12-09. Review status: criteria provided, single submitter. Criteria: Ambry Variant Classification Scheme 2023. Collection method: clinical testing. Allele origin: germline.

PreventionGenetics, part of Exact Sciences
Classification: Uncertain significance for FAT1-related condition. Last evaluated: 2024-01-30. Review status: no assertion criteria provided. Collection method: clinical testing. Allele origin: germline. Not counted in ClinVar's aggregate classification.
Comment: The FAT1 c.5824A>G variant is predicted to result in the amino acid substitution p.Thr1942Ala. To our knowledge, this variant has not been reported in the literature or in a large population database, indicating this variant is rare. At this time, the clinical significance of this variant is uncertain due to the absence of conclusive functional and genetic evidence.